The following is an entry in ClinVar:

ClinVar aggregate classification (germline): Uncertain significance (1 of 4 stars; one submission).

Submission:

Labcorp Genetics (formerly Invitae), Labcorp
Classification: Uncertain significance. Last evaluated: 2022-11-29. Review status: criteria provided, single submitter. Criteria: Invitae Variant Classification Sherloc (09022015). Collection method: clinical testing. Allele origin: germline.
Comment: This variant has not been reported in the literature in individuals affected with ERCC5-related conditions. Algorithms developed to predict the effect of missense changes on protein structure and function output the following: SIFT: "Tolerated"; PolyPhen-2: "Benign"; Align-GVGD: "Class C0". The asparagine amino acid residue is found in multiple mammalian species, which suggests that this missense change does not adversely affect protein function. In summary, the available evidence is currently insufficient to determine the role of this variant in disease. Therefore, it has been classified as a Variant of Uncertain Significance. This variant is not present in population databases (gnomAD no frequency). This sequence change replaces serine, which is neutral and polar, with asparagine, which is neutral and polar, at codon 363 of the ERCC5 protein (p.Ser363Asn).

NM_000123.4(ERCC5):c.1088G>A (p.Ser363Asn)

Genes: BIVM-ERCC5 (BIVM-ERCC5 readthrough; plus strand), ERCC5 (ERCC excision repair 5, endonuclease; plus strand). Cytogenetic location: 13q33.1.
Variant type: single nucleotide variant.
Coding change: c.1088G>A on transcript NM_000123.4 (MANE Select); coding-DNA position 1088, G replaced by A.
Protein change: p.Ser363Asn; replaces serine 363 with asparagine.
Molecular consequence: missense variant.
Genome position (GRCh38, 1-based): chr13:102,862,237, G>A. VCF-style: chr13-102862237-G-A. GRCh37 (hg19) VCF-style: chr13-103514587-G-A.
Other names: c.2450G>A, p.Ser817Asn (NM_001204425.2); short protein forms S363N, S817N.
Identifiers: ClinVar variation 1955824 (VCV001955824.5), dbSNP rs2501566291, ClinGen allele CA388571991.
Genomic context (GRCh38, chr13:102,862,237, plus strand): 5'-GAACTTTACTAGCTATGCAAGCTGCCCTGCTGGGAAGTAGCTCAGAAGAGGAGCTGGAGA[G>A]TGAAAATCGAAGGCAGGCCCGTGGGAGGAACGCACCTGCTGCTGTAGACGAAGGCTCCAT-3'
Protein context (NP_000114.3, residues 353-373): LGSSSEEELE[Ser363Asn]ENRRQARGRN